The following is an entry in ClinVar:

NM_024809.5(TCTN2):c.352T>G (p.Cys118Gly)

Gene: TCTN2 (tectonic family member 2; plus strand). Cytogenetic location: 12q24.31.
Variant type: single nucleotide variant.
Coding change: c.352T>G on transcript NM_024809.5 (MANE Select); coding-DNA position 352, T replaced by G.
Protein change: p.Cys118Gly; replaces cysteine 118 with glycine.
Molecular consequence: missense variant.
Genome position (GRCh38, 1-based): chr12:123,673,699, T>G. VCF-style: chr12-123673699-T-G. GRCh37 (hg19) VCF-style: chr12-124158246-T-G.
Other names: c.349T>G, p.Cys117Gly (NM_001143850.3); short protein forms C117G, C118G.
Identifiers: ClinVar variation 1512640 (VCV001512640.7), dbSNP rs2135816491, ClinGen allele CA387156967.

ClinVar aggregate classification (germline): Uncertain significance (1 of 4 stars; one submission).

Conditions:
Meckel-Gruber syndrome. Also called: DYSENCEPHALIA SPLANCHNOCYSTICA; GRUBER SYNDROME; Dysencephalia splachnocystica. Identifiers: Orphanet 564, MedGen C0265215, MONDO:0018921.
Joubert syndrome. Also called: CEREBELLOPARENCHYMAL DISORDER IV; JOUBERT-BOLTSHAUSER SYNDROME; Familial aplasia of the vermis. Identifiers: Orphanet 475, MedGen C5979921, MONDO:0018772.

Submission:

Labcorp Genetics (formerly Invitae), Labcorp
Classification: Uncertain significance for Joubert syndrome; Meckel-Gruber syndrome. Last evaluated: 2024-08-05. Review status: criteria provided, single submitter. Criteria: Invitae Variant Classification Sherloc (09022015). Collection method: clinical testing. Allele origin: germline.
Comment: This sequence change replaces cysteine, which is neutral and slightly polar, with glycine, which is neutral and non-polar, at codon 118 of the TCTN2 protein (p.Cys118Gly). This variant is not present in population databases (gnomAD no frequency). This variant has not been reported in the literature in individuals affected with TCTN2-related conditions. ClinVar contains an entry for this variant (Variation ID: 1512640). Advanced modeling of protein sequence and biophysical properties (such as structural, functional, and spatial information, amino acid conservation, physicochemical variation, residue mobility, and thermodynamic stability) performed at Invitae indicates that this missense variant is expected to disrupt TCTN2 protein function with a positive predictive value of 80%. In summary, the available evidence is currently insufficient to determine the role of this variant in disease. Therefore, it has been classified as a Variant of Uncertain Significance.